The following is an entry in ClinVar:

NM_001385125.1(OPN1SW):c.51G>A (p.Pro17=)

Gene: OPN1SW (opsin 1, short wave sensitive; minus strand). Cytogenetic location: 7q32.1.
Variant type: single nucleotide variant.
Coding change: c.51G>A on transcript NM_001385125.1 (MANE Select); coding-DNA position 51, G replaced by A.
Protein change: p.Pro17=; no amino-acid change (proline 17 retained).
Molecular consequence: synonymous variant.
Genome position (GRCh38, 1-based): chr7:128,775,731, C>T on the plus strand (G>A on the coding strand, the complement: OPN1SW is on the minus strand). VCF-style: chr7-128775731-C-T. GRCh37 (hg19) VCF-style: chr7-128415785-C-T.
Other names: NM_001708.2:c.60G>A.
Identifiers: ClinVar variation 1085426 (VCV001085426.12), dbSNP rs150585695, ClinGen allele CA4473066.

ClinVar aggregate classification (germline): Likely benign. Review status: criteria provided, multiple submitters, no conflicts (2 of 4 stars). 3 submissions from 3 submitters: Likely benign (2). 1 of the submissions does not count toward it. Last evaluated 2026-01-05.

Conditions:
OPN1SW-related disorder. Also called: OPN1SW-related condition.

Allele frequency attached by ClinVar (database versions not stated): 1000 Genomes Project 30x 0.00016; 1000 Genomes Project 0.00020; TOPMed 0.00051; ExAC 0.00057; gnomAD 0.00057 and 0.00062; gnomAD exomes 0.00058 and 0.00087; ESP Exome Variant Server 0.00092.

Submissions (3):

Labcorp Genetics (formerly Invitae), Labcorp
Classification: Likely benign. Last evaluated: 2026-01-05. Review status: criteria provided, single submitter. Criteria: Invitae Variant Classification Sherloc (09022015). Collection method: clinical testing. Allele origin: germline.

Blueprint Genetics
Classification: Likely benign. Last evaluated: 2024-11-19. Review status: criteria provided, single submitter. Criteria: ACMG Guidelines, 2015. Collection method: clinical testing. Allele origin: germline.

PreventionGenetics, part of Exact Sciences
Classification: Likely benign for OPN1SW-related condition. Last evaluated: 2019-02-22. Review status: no assertion criteria provided. Collection method: clinical testing. Allele origin: germline. Not counted in ClinVar's aggregate classification.
Comment: This variant is classified as likely benign based on ACMG/AMP sequence variant interpretation guidelines (Richards et al. 2015 PMID: 25741868, with internal and published modifications).